The following is an entry in ClinVar:

ClinVar aggregate classification (germline): Uncertain significance (1 of 4 stars; one submission).

Conditions:
Glycogen storage disease IXb (GSD9B). Also called: GLYCOGENOSIS OF LIVER AND MUSCLE, AUTOSOMAL RECESSIVE; GSD IXb; PHOSPHORYLASE KINASE DEFICIENCY OF LIVER AND MUSCLE, AUTOSOMAL RECESSIVE. Identifiers: Orphanet 79240, MedGen C0543514, MONDO:0009868, OMIM 261750.

Submission:

Labcorp Genetics (formerly Invitae), Labcorp
Classification: Uncertain significance for Glycogen storage disease IXb. Last evaluated: 2025-08-18. Review status: criteria provided, single submitter. Criteria: Invitae Variant Classification Sherloc (09022015). Collection method: clinical testing. Allele origin: germline.
Comment: This sequence change replaces glutamic acid, which is acidic and polar, with alanine, which is neutral and non-polar, at codon 233 of the PHKB protein (p.Glu233Ala). This variant is not present in population databases (gnomAD no frequency). This variant has not been reported in the literature in individuals affected with PHKB-related conditions. ClinVar contains an entry for this variant (Variation ID: 2056885). An algorithm developed to predict the effect of missense changes on protein structure and function (PolyPhen-2) suggests that this variant is likely to be disruptive. In summary, the available evidence is currently insufficient to determine the role of this variant in disease. Therefore, it has been classified as a Variant of Uncertain Significance.

NM_000293.3(PHKB):c.698A>C (p.Glu233Ala)

Gene: PHKB (phosphorylase kinase regulatory subunit beta; plus strand). Cytogenetic location: 16q12.1.
Variant type: single nucleotide variant.
Coding change: c.698A>C on transcript NM_000293.3 (MANE Select); coding-DNA position 698, A replaced by C.
Protein change: p.Glu233Ala; replaces glutamic acid 233 with alanine.
Molecular consequence: missense variant.
Genome position (GRCh38, 1-based): chr16:47,547,536, A>C. VCF-style: chr16-47547536-A-C. GRCh37 (hg19) VCF-style: chr16-47581447-A-C.
Other names: c.677A>C, p.Glu226Ala (NM_001031835.3); c.698A>C, p.Glu233Ala (NM_001363837.1); short protein forms E226A, E233A.
Identifiers: ClinVar variation 2056885 (VCV002056885.4), dbSNP rs2506226752, ClinGen allele CA395787648.